The following is an entry in ClinVar:

NM_000388.4(CASR):c.2818C>T (p.Gln940Ter)

Gene: CASR (calcium sensing receptor; plus strand). Cytogenetic location: 3q21.1.
Variant type: single nucleotide variant.
Coding change: c.2818C>T on transcript NM_000388.4 (MANE Select); coding-DNA position 2818, C replaced by T.
Protein change: p.Gln940Ter; replaces glutamine 940 with a stop codon.
Molecular consequence: nonsense.
Genome position (GRCh38, 1-based): chr3:122,284,772, C>T. VCF-style: chr3-122284772-C-T. GRCh37 (hg19) VCF-style: chr3-122003619-C-T.
Other names: c.2848C>T, p.Gln950Ter (NM_001178065.2); short protein forms Q940*, Q950*.
Identifiers: ClinVar variation 1045654 (VCV001045654.7), dbSNP rs1576878568, ClinGen allele CA354160833.
Genomic context (GRCh38, chr3:122,284,772, plus strand): 5'-AGCGAAGACCCATTCCCACAGCCCGAGAGGCAGAAGCAGCAGCAGCCGCTGGCCCTAACC[C>T]AGCAAGAGCAGCAGCAGCAGCCCCTGACCCTCCCACAGCAGCAACGATCTCAGCAGCAGC-3'

ClinVar aggregate classification (germline): Uncertain significance (1 of 4 stars; one submission).

Conditions:
Familial hypocalciuric hypercalcemia (FHH). Also called: Familial benign hypercalcemia. Identifiers: Orphanet 405, MedGen C1809471, MONDO:0018458.
Autosomal dominant hypocalcemia 1 (HYPOC1). Also called: HYPOCALCEMIA, FAMILIAL. Identifiers: MedGen C3715128, MONDO:0011013, OMIM 601198.

Submission:

Labcorp Genetics (formerly Invitae), Labcorp
Classification: Uncertain significance for Familial hypocalciuric hypercalcemia; Autosomal dominant hypocalcemia 1. Last evaluated: 2020-10-25. Review status: criteria provided, single submitter. Criteria: Invitae Variant Classification Sherloc (09022015). Collection method: clinical testing. Allele origin: germline.
Comment: In summary, the available evidence is currently insufficient to determine the role of this variant in disease. Therefore, it has been classified as a Variant of Uncertain Significance. Experimental studies and prediction algorithms are not available or were not evaluated, and the functional significance of this variant is currently unknown. This variant has not been reported in the literature in individuals with CASR-related conditions. This variant is not present in population databases (ExAC no frequency). This sequence change creates a premature translational stop signal (p.Gln940*) in the CASR gene. While this is not anticipated to result in nonsense mediated decay, it is expected to disrupt the last 139 amino acid(s) of the CASR protein.